The following is an entry in ClinVar:

ClinVar aggregate classification (germline): Uncertain significance. Review status: criteria provided, multiple submitters, no conflicts (2 of 4 stars). 2 submissions from 2 submitters: Uncertain significance (2). Last evaluated 2025-12-10.

Conditions:
Hereditary cancer-predisposing syndrome. Also called: Hereditary Cancer Syndrome; Neoplastic Syndromes, Hereditary; Tumor predisposition; Hereditary neoplastic syndrome. Identifiers: Orphanet 140162, MedGen C0027672, MeSH D009386, MONDO:0015356.

Allele frequency attached by ClinVar (database versions not stated): gnomAD exomes below 0.00001; ExAC 0.00001.
gnomAD v4.1: 1 of 1,613,918 alleles (0.000062%); highest among the groups gnomAD compares: Admixed American, 0.0017%; no homozygotes.

Submissions (2):

Labcorp Genetics (formerly Invitae), Labcorp
Classification: Uncertain significance. Last evaluated: 2025-12-10. Review status: criteria provided, single submitter. Criteria: Invitae Variant Classification Sherloc (09022015). Collection method: clinical testing. Allele origin: germline.
Comment: This sequence change replaces valine, which is neutral and non-polar, with alanine, which is neutral and non-polar, at codon 446 of the MSH3 protein (p.Val446Ala). This variant is present in population databases (rs781450054, gnomAD 0.006%). This variant has not been reported in the literature in individuals affected with MSH3-related conditions. ClinVar contains an entry for this variant (Variation ID: 1024767). An algorithm developed to predict the effect of missense changes on protein structure and function outputs the following: PolyPhen-2: "Benign". The alanine amino acid residue is found in multiple mammalian species, which suggests that this missense change does not adversely affect protein function. In summary, the available evidence is currently insufficient to determine the role of this variant in disease. Therefore, it has been classified as a Variant of Uncertain Significance.

Ambry Genetics
Classification: Uncertain significance for Hereditary cancer-predisposing syndrome. Last evaluated: 2022-11-19. Review status: criteria provided, single submitter. Criteria: Ambry Variant Classification Scheme 2023. Collection method: clinical testing. Allele origin: germline.
Comment: The p.V446A variant (also known as c.1337T>C), located in coding exon 8 of the MSH3 gene, results from a T to C substitution at nucleotide position 1337. The valine at codon 446 is replaced by alanine, an amino acid with similar properties. This amino acid position is conserved. In addition, this alteration is predicted to be tolerated by in silico analysis. Since supporting evidence is limited at this time, the clinical significance of this alteration remains unclear.

NM_002439.5(MSH3):c.1337T>C (p.Val446Ala)

Gene: MSH3 (mutS homolog 3; plus strand). Cytogenetic location: 5q14.1.
Variant type: single nucleotide variant.
Coding change: c.1337T>C on transcript NM_002439.5 (MANE Select); coding-DNA position 1337, T replaced by C.
Protein change: p.Val446Ala; replaces valine 446 with alanine.
Molecular consequence: missense variant.
Genome position (GRCh38, 1-based): chr5:80,679,090, T>C. VCF-style: chr5-80679090-T-C. GRCh37 (hg19) VCF-style: chr5-79974909-T-C.
Other names: c.1337T>C (NM_002439.3); short protein forms V446A.
Identifiers: ClinVar variation 1024767 (VCV001024767.8), dbSNP rs781450054, ClinGen allele CA3327861.
Genomic context (GRCh38, chr5:80,679,090, plus strand): 5'-TGCTGCTTCCTTCGGCCTTGTCCGAGCAAACAGAGGCGCTCATCCACAGAGCCACATCTG[T>C]TAGGTAAGTTGGCACATCACTGGAATATAATACCGATTCTGAAACTTAGGTTTAGTTCCA-3'
Protein context (NP_002430.3, residues 436-456): TEALIHRATS[Val446Ala]SVQDDRIRVE